The following is an entry in ClinVar:

NM_001032283.3(TMPO):c.565+2101G>A

Gene: TMPO (thymopoietin; plus strand). Cytogenetic location: 12q23.1.
Variant type: single nucleotide variant.
Coding change: c.565+2101G>A on transcript NM_001032283.3 (MANE Select); 2101 bases into the intron after coding-DNA position 565, G replaced by A.
Molecular consequence: intron variant. On other transcripts: missense variant (1).
Genome position (GRCh38, 1-based): chr12:98,533,939, G>A. VCF-style: chr12-98533939-G-A. GRCh37 (hg19) VCF-style: chr12-98927717-G-A.
Other names: c.1682G>A, p.Cys561Tyr (NM_003276.2); c.565+2101G>A (NM_001307975.2, NM_001032284.3); short protein forms C561Y.
Identifiers: ClinVar variation 1042481 (VCV001042481.9), dbSNP rs774064196, ClinGen allele CA242225175.

ClinVar aggregate classification (germline): Uncertain significance (1 of 4 stars; one submission).

Conditions:
Loeys-Dietz syndrome 2 (LDS2). Also called: Marfan Syndrome type 2; Marfan like connective tissue disorder; MFS 2; Marfan syndrome, type 2 (formerly); TGFBR2-Related Loeys-Dietz Syndrome; AORTIC ANEURYSM, FAMILIAL THORACIC 3. Identifiers: Orphanet 284973, Orphanet 558, MedGen C2674574, MONDO:0012427, OMIM 610168.

Allele frequency attached by ClinVar (database versions not stated): gnomAD exomes below 0.00001; TOPMed 0.00001.
gnomAD v4.1: 7 of 1,613,850 alleles (0.00043%); highest among the groups gnomAD compares: Non-Finnish European, 0.00042%; no homozygotes.

Submission:

Labcorp Genetics (formerly Invitae), Labcorp
Classification: Uncertain significance for Loeys-Dietz syndrome 2. Last evaluated: 2021-04-16. Review status: criteria provided, single submitter. Criteria: Invitae Variant Classification Sherloc (09022015). Collection method: clinical testing. Allele origin: germline.
Comment: In summary, the available evidence is currently insufficient to determine the role of this variant in disease. Therefore, it has been classified as a Variant of Uncertain Significance. This sequence change replaces cysteine with tyrosine at codon 561 of the TMPO protein (p.Cys561Tyr). The cysteine residue is highly conserved and there is a large physicochemical difference between cysteine and tyrosine. This variant is not present in population databases (ExAC no frequency). This variant has not been reported in the literature in individuals with TMPO-related conditions. Algorithms developed to predict the effect of missense changes on protein structure and function output the following: SIFT: "Deleterious"; PolyPhen-2: "Probably Damaging"; Align-GVGD: "Class C65". The tyrosine amino acid residue is found in multiple mammalian species, suggesting that this missense change does not adversely affect protein function. These predictions have not been confirmed by published functional studies and their clinical significance is uncertain.